The following is an entry in ClinVar:

ClinVar aggregate classification (germline): Uncertain significance. Review status: criteria provided, single submitter (1 of 4 stars). 2 submissions from 2 submitters: Uncertain significance (1). 1 of the submissions does not count toward it. Last evaluated 2021-09-01.

Conditions:
Hereditary spastic paraplegia 49 (HSAN9). Also called: NEUROPATHY, HEREDITARY SENSORY AND AUTONOMIC, TYPE IX, WITH DEVELOPMENTAL DELAY; Spastic paraplegia 49, autosomal recessive; TECPR2-Related Hereditary Sensory and Autonomic Neuropathy with Intellectual Disability. Identifiers: Orphanet 320385, MedGen C5190860, MONDO:0014016, OMIM 615031.

Allele frequency attached by ClinVar (database versions not stated): gnomAD exomes below 0.00001; TOPMed below 0.00001; gnomAD 0.00001.
gnomAD v4.1: 4 of 1,613,134 alleles (0.00025%); highest among the groups gnomAD compares: Admixed American, 0.0017%; no homozygotes.

Submissions (2):

Labcorp Genetics (formerly Invitae), Labcorp
Classification: Uncertain significance for Hereditary spastic paraplegia 49. Last evaluated: 2021-09-01. Review status: criteria provided, single submitter. Criteria: Invitae Variant Classification Sherloc (09022015). Collection method: clinical testing. Allele origin: germline.
Comment: This sequence change replaces arginine with cysteine at codon 843 of the TECPR2 protein (p.Arg843Cys). The arginine residue is moderately conserved and there is a large physicochemical difference between arginine and cysteine. This variant is not present in population databases (ExAC no frequency). This variant has not been reported in the literature in individuals affected with TECPR2-related conditions. Algorithms developed to predict the effect of missense changes on protein structure and function are either unavailable or do not agree on the potential impact of this missense change (SIFT: "Deleterious"; PolyPhen-2: "Benign"; Align-GVGD: "Class C0"). In summary, the available evidence is currently insufficient to determine the role of this variant in disease. Therefore, it has been classified as a Variant of Uncertain Significance.

Natera, Inc.
Classification: Uncertain significance for Autosomal recessive spastic paraplegia type 49. Last evaluated: 2020-07-11. Review status: no assertion criteria provided. Collection method: clinical testing. Allele origin: germline. Not counted in ClinVar's aggregate classification.

NM_014844.5(TECPR2):c.2527C>T (p.Arg843Cys)

Genes: TECPR2 (tectonin beta-propeller repeat containing 2; plus strand), LOC130056519 (ATAC-STARR-seq lymphoblastoid silent region 6116; plus strand). Cytogenetic location: 14q32.31.
Variant type: single nucleotide variant.
Coding change: c.2527C>T on transcript NM_014844.5 (MANE Select); coding-DNA position 2527, C replaced by T.
Protein change: p.Arg843Cys; replaces arginine 843 with cysteine.
Molecular consequence: missense variant.
Genome position (GRCh38, 1-based): chr14:102,438,154, C>T. VCF-style: chr14-102438154-C-T. GRCh37 (hg19) VCF-style: chr14-102904491-C-T.
Other names: c.2527C>T, p.Arg843Cys (NM_001172631.3); short protein forms R843C.
Identifiers: ClinVar variation 946920 (VCV000946920.10), dbSNP rs1337707151, ClinGen allele CA391065978.